The following is an entry in ClinVar:

NM_000285.4(PEPD):c.859G>A (p.Asp287Asn)

Gene: PEPD (peptidase D; minus strand). Cytogenetic location: 19q13.11.
Variant type: single nucleotide variant.
Coding change: c.859G>A on transcript NM_000285.4 (MANE Select); coding-DNA position 859, G replaced by A.
Protein change: p.Asp287Asn; replaces aspartic acid 287 with asparagine.
Molecular consequence: missense variant.
Genome position (GRCh38, 1-based): chr19:33,401,829, C>T on the plus strand (G>A on the coding strand, the complement: PEPD is on the minus strand). VCF-style: chr19-33401829-C-T. GRCh37 (hg19) VCF-style: chr19-33892735-C-T.
Other names: c.736G>A, p.Asp246Asn (NM_001166056.2); c.667G>A, p.Asp223Asn (NM_001166057.2); short protein forms D223N, D246N, D287N.
Identifiers: ClinVar variation 1450911 (VCV001450911.4), dbSNP rs201584435, ClinGen allele CA9364093.
Genomic context (GRCh38, chr19:33,401,829, plus strand): 5'-CATAGACGGCCTTCTGGTCTGCAGTGAACTTGCCGTTGGCGGGAAAGGAGCAGGTGATGT[C>T]GGAAGCGAAGCAGTAATACTCACCGCCCATGTCGAACAGGCTGCGGAGAGAGGAAGGCAG-3'
Protein context (NP_000276.2, residues 277-297): MGGEYYCFAS[Asp287Asn]ITCSFPANGK

ClinVar aggregate classification (germline): Uncertain significance. Review status: criteria provided, multiple submitters, no conflicts (2 of 4 stars). 2 submissions from 2 submitters: Uncertain significance (2). Last evaluated 2022-08-05.

Conditions:
Prolidase deficiency. Identifiers: Orphanet 742, MedGen C0268532, MONDO:0008221, OMIM 170100.

Allele frequency attached by ClinVar (database versions not stated): ExAC 0.00002; gnomAD 0.00004 and 0.00005; gnomAD exomes 0.00006 and 0.00013; TOPMed 0.00008; ESP Exome Variant Server 0.00024.
gnomAD v4.1: 211 of 1,613,098 alleles (0.013%); highest among the groups gnomAD compares: Non-Finnish European, 0.016%; 1 homozygote.

Submissions (2):

Labcorp Genetics (formerly Invitae), Labcorp
Classification: Uncertain significance. Last evaluated: 2022-08-05. Review status: criteria provided, single submitter. Criteria: Invitae Variant Classification Sherloc (09022015). Collection method: clinical testing. Allele origin: germline.
Comment: This sequence change replaces aspartic acid, which is acidic and polar, with asparagine, which is neutral and polar, at codon 287 of the PEPD protein (p.Asp287Asn). This variant is present in population databases (rs201584435, gnomAD 0.01%). This variant has not been reported in the literature in individuals affected with PEPD-related conditions. ClinVar contains an entry for this variant (Variation ID: 1450911). Algorithms developed to predict the effect of missense changes on protein structure and function are either unavailable or do not agree on the potential impact of this missense change (SIFT: "Deleterious"; PolyPhen-2: "Probably Damaging"; Align-GVGD: "Class C15"). In summary, the available evidence is currently insufficient to determine the role of this variant in disease. Therefore, it has been classified as a Variant of Uncertain Significance.

Fulgent Genetics
Classification: Uncertain significance for Prolidase deficiency. Last evaluated: 2021-08-26. Review status: criteria provided, single submitter. Criteria: ACMG Guidelines, 2015. Collection method: clinical testing. Allele origin: unknown.